The following is an entry in ClinVar:

NM_020347.4(LZTFL1):c.735C>T (p.His245=)

Gene: LZTFL1 (leucine zipper transcription factor like 1; minus strand). Cytogenetic location: 3p21.31.
Variant type: single nucleotide variant.
Coding change: c.735C>T on transcript NM_020347.4 (MANE Select); coding-DNA position 735, C replaced by T.
Protein change: p.His245=; no amino-acid change (histidine 245 retained).
Molecular consequence: synonymous variant. On other transcripts: non-coding transcript variant (1).
Genome position (GRCh38, 1-based): chr3:45,828,481, G>A on the plus strand (C>T on the coding strand, the complement: LZTFL1 is on the minus strand). VCF-style: chr3-45828481-G-A. GRCh37 (hg19) VCF-style: chr3-45869973-G-A.
Other names: c.684C>T, p.His228= (NM_001276378.2, NM_001386451.1); c.723C>T, p.His241= (NM_001276379.2); c.735C>T, p.His245= (NM_001386452.1); c.735C>T (NM_020347.3).
Identifiers: ClinVar variation 1148644 (VCV001148644.11), dbSNP rs769782008, ClinGen allele CA2351870.

ClinVar aggregate classification (germline): Likely benign. Review status: criteria provided, multiple submitters, no conflicts (2 of 4 stars). 4 submissions from 4 submitters: Likely benign (3). 1 of the submissions does not count toward it. Last evaluated 2025-04-14.

Conditions:
LZTFL1-related disorder. Also called: LZTFL1-related condition.

Allele frequency attached by ClinVar (database versions not stated): TOPMed 0.00002; ExAC 0.00003; gnomAD 0.00003; gnomAD exomes 0.00004 and 0.00005.
gnomAD v4.1: 83 of 1,613,966 alleles (0.0051%); highest among the groups gnomAD compares: Non-Finnish European, 0.0062%; no homozygotes.

Submissions (4):

Labcorp Genetics (formerly Invitae), Labcorp
Classification: Likely benign. Last evaluated: 2025-04-14. Review status: criteria provided, single submitter. Criteria: Invitae Variant Classification Sherloc (09022015). Collection method: clinical testing. Allele origin: germline.

Blueprint Genetics
Classification: Likely benign. Last evaluated: 2022-04-04. Review status: criteria provided, single submitter. Criteria: ACMG Guidelines, 2015. Collection method: clinical testing. Allele origin: germline.

Breakthrough Genomics
Classification: Likely benign. Review status: criteria provided, single submitter. Criteria: ACMG Guidelines, 2015. Collection method: not provided. Allele origin: germline. Inheritance: Autosomal recessive inheritance. Affected: yes.

PreventionGenetics, part of Exact Sciences
Classification: Likely benign for LZTFL1-related condition. Last evaluated: 2022-03-24. Review status: no assertion criteria provided. Collection method: clinical testing. Allele origin: germline. Not counted in ClinVar's aggregate classification.
Comment: This variant is classified as likely benign based on ACMG/AMP sequence variant interpretation guidelines (Richards et al. 2015 PMID: 25741868, with internal and published modifications).